The following is an entry in ClinVar:

ClinVar aggregate classification (germline): Uncertain significance (1 of 4 stars; one submission).

Conditions:
Noonan syndrome 9 (NS9). Identifiers: Orphanet 648, MedGen C4225282, MONDO:0014691, OMIM 616559.

Submission:

Labcorp Genetics (formerly Invitae), Labcorp
Classification: Uncertain significance for Noonan syndrome 9. Last evaluated: 2023-06-20. Review status: criteria provided, single submitter. Criteria: Invitae Variant Classification Sherloc (09022015). Collection method: clinical testing. Allele origin: germline.
Comment: This variant has not been reported in the literature in individuals affected with SOS2-related conditions. This variant is not present in population databases (gnomAD no frequency). Advanced modeling of protein sequence and biophysical properties (such as structural, functional, and spatial information, amino acid conservation, physicochemical variation, residue mobility, and thermodynamic stability) performed at Invitae indicates that this missense variant is not expected to disrupt SOS2 protein function. In summary, the available evidence is currently insufficient to determine the role of this variant in disease. Therefore, it has been classified as a Variant of Uncertain Significance. This sequence change replaces histidine, which is basic and polar, with arginine, which is basic and polar, at codon 1226 of the SOS2 protein (p.His1226Arg).

NM_006939.4(SOS2):c.3677A>G (p.His1226Arg)

Gene: SOS2 (SOS Ras/Rho guanine nucleotide exchange factor 2; minus strand). Cytogenetic location: 14q21.3.
Variant type: single nucleotide variant.
Coding change: c.3677A>G on transcript NM_006939.4 (MANE Select); coding-DNA position 3677, A replaced by G.
Protein change: p.His1226Arg; replaces histidine 1226 with arginine.
Molecular consequence: missense variant.
Genome position (GRCh38, 1-based): chr14:50,118,666, T>C on the plus strand (A>G on the coding strand, the complement: SOS2 is on the minus strand). VCF-style: chr14-50118666-T-C. GRCh37 (hg19) VCF-style: chr14-50585384-T-C.
Other names: c.3578A>G, p.His1193Arg (NM_001411020.1); short protein forms H1193R, H1226R.
Identifiers: ClinVar variation 2719822 (VCV002719822.3), dbSNP rs1018592964, ClinGen allele CA389638290.